The following is an entry in ClinVar:

ClinVar aggregate classification (germline): Likely benign (1 of 4 stars; one submission).

Allele frequency attached by ClinVar (database versions not stated): gnomAD exomes 0.00016.

Submission:

GeneDx
Classification: Likely benign. Last evaluated: 2017-04-12. Review status: criteria provided, single submitter. Criteria: GeneDx Variant Classification (06012015). Collection method: clinical testing. Allele origin: germline. Affected: yes.
Comment: This variant is considered likely benign or benign based on one or more of the following criteria: it is a conservative change, it occurs at a poorly conserved position in the protein, it is predicted to be benign by multiple in silico algorithms, and/or has population frequency not consistent with disease.

NM_000044.6(AR):c.1418G>A (p.Gly473Asp)

Gene: AR (androgen receptor; plus strand). Cytogenetic location: Xq12.
Variant type: single nucleotide variant.
Coding change: c.1418G>A on transcript NM_000044.6 (MANE Select); coding-DNA position 1418, G replaced by A.
Protein change: p.Gly473Asp; replaces glycine 473 with aspartic acid.
Molecular consequence: missense variant. On other transcripts: 5 prime UTR variant (1).
Genome position (GRCh38, 1-based): chrX:67,546,564, G>A. VCF-style: chrX-67546564-G-A. GRCh37 (hg19) VCF-style: chrX-66766406-G-A.
Other names: c.-366G>A (NM_001011645.3); c.1418G>A, p.Gly473Asp (NM_001348061.1, NM_001348063.1, NM_001348064.1); short protein forms G473D.
Identifiers: ClinVar variation 508833 (VCV000508833.1), dbSNP rs1238856883, ClinGen allele CA413427294.
Genomic context (GRCh38, chrX:67,546,564, plus strand): 5'-GTGGGGGTGGTGGCGGCGGCGGCGGCGGCGGCGGCGGCGGCGGCGGCGGCGGCGGCGGCG[G>A]CGAGGCGGGAGCTGTAGCCCCCTACGGCTACACTCGGCCCCCTCAGGGGCTGGCGGGCCA-3'
Protein context (NP_000035.2, residues 463-483): GGGGGGGGGG[Gly473Asp]EAGAVAPYGY